The following is an entry in ClinVar:

ClinVar aggregate classification (germline): Uncertain significance (1 of 4 stars; one submission).

Allele frequency attached by ClinVar (database versions not stated): gnomAD exomes below 0.00001.

Submission:

Labcorp Genetics (formerly Invitae), Labcorp
Classification: Uncertain significance. Last evaluated: 2022-07-06. Review status: criteria provided, single submitter. Criteria: Invitae Variant Classification Sherloc (09022015). Collection method: clinical testing. Allele origin: germline.
Comment: This sequence change replaces histidine, which is basic and polar, with arginine, which is basic and polar, at codon 383 of the SCARF2 protein (p.His383Arg). This variant is present in population databases (no rsID available, gnomAD 0.003%). This variant has not been reported in the literature in individuals affected with SCARF2-related conditions. ClinVar contains an entry for this variant (Variation ID: 1386959). Algorithms developed to predict the effect of missense changes on protein structure and function output the following: SIFT: "Tolerated"; PolyPhen-2: "Benign"; Align-GVGD: "Class C0". The arginine amino acid residue is found in multiple mammalian species, which suggests that this missense change does not adversely affect protein function. In summary, the available evidence is currently insufficient to determine the role of this variant in disease. Therefore, it has been classified as a Variant of Uncertain Significance.

NM_182895.5(SCARF2):c.1148A>G (p.His383Arg)

Gene: SCARF2 (scavenger receptor class F member 2; minus strand). Cytogenetic location: 22q11.21.
Variant type: single nucleotide variant.
Coding change: c.1148A>G on transcript NM_182895.5 (MANE Select); coding-DNA position 1148, A replaced by G.
Protein change: p.His383Arg; replaces histidine 383 with arginine.
Molecular consequence: missense variant.
Genome position (GRCh38, 1-based): chr22:20,430,483, T>C on the plus strand (A>G on the coding strand, the complement: SCARF2 is on the minus strand). VCF-style: chr22-20430483-T-C. GRCh37 (hg19) VCF-style: chr22-20784770-T-C.
Other names: c.1148A>G, p.His383Arg (NM_153334.7); short protein forms H383R.
Identifiers: ClinVar variation 1386959 (VCV001386959.6), dbSNP rs1450108999, ClinGen allele CA410743450.
Genomic context (GRCh38, chr22:20,430,483, plus strand): 5'-ACTCACTGGGGCCCGTGGACGCCAGGGCTGCACAGGCAGCGCCCCGACTGGAAGTCGCAG[T>C]GTCCGCTGCCGCAGTCGGCGCACACGAAGGCGCAGTCCTCGCCGTAAGTGCCATTGCTAC-3'
Protein context (NP_878315.2, residues 373-393): AFVCADCGSG[His383Arg]CDFQSGRCLC